The following is an entry in ClinVar:

NM_000138.5(FBN1):c.3083A>G (p.Asp1028Gly)

Gene: FBN1 (fibrillin 1; minus strand). Cytogenetic location: 15q21.1.
Variant type: single nucleotide variant.
Coding change: c.3083A>G on transcript NM_000138.5 (MANE Select); coding-DNA position 3083, A replaced by G.
Protein change: p.Asp1028Gly; replaces aspartic acid 1028 with glycine.
Molecular consequence: missense variant.
Genome position (GRCh38, 1-based): chr15:48,488,493, T>C on the plus strand (A>G on the coding strand, the complement: FBN1 is on the minus strand). VCF-style: chr15-48488493-T-C. GRCh37 (hg19) VCF-style: chr15-48780690-T-C.
Other names: short protein forms D1028G.
Identifiers: ClinVar variation 429319 (VCV000429319.16), dbSNP rs1131691317, ClinGen allele CA392328329.

ClinVar aggregate classification (germline): Likely pathogenic. Review status: criteria provided, multiple submitters, no conflicts (2 of 4 stars). 5 submissions from 5 submitters: Likely pathogenic (5). Last evaluated 2025-09-19.

Conditions:
Thoracic aortic aneurysm or dissection.
Marfan syndrome (MFS). Also called: MARFAN SYNDROME, TYPE I; FBN1-Related Marfan Syndrome; Marfan syndrome type 1; Marfan's syndrome; Marfan syndrome, classic. Identifiers: Orphanet 284963, Orphanet 558, MedGen C0024796, MONDO:0007947, OMIM 154700.
Familial thoracic aortic aneurysm and aortic dissection (TAAD). Also called: Thoracic aortic aneurysms and dissections. Identifiers: Orphanet 91387, MedGen C4707243, MONDO:0019625.

Submissions (5):

Ambry Genetics
Classification: Likely pathogenic for Familial thoracic aortic aneurysm and aortic dissection. Last evaluated: 2025-09-19. Review status: criteria provided, single submitter. Criteria: Ambry Variant Classification Scheme 2023. Collection method: clinical testing. Allele origin: germline.
Comment: The p.D1028G variant (also known as c.3083A>G) is located in coding exon 25 of the FBN1 gene. The aspartic acid at codon 1028 is replaced by glycine, an amino acid with similar properties. This change occurs in the first base pair of coding exon 25. This variant was reported in individual(s) with features consistent with Marfan syndrome and related fibrillinopathies (Comeglio P et al. Hum Mutat, 2007 Sep;28:928; Li J et al. Mol Vis, 2014 Jul;20:1017-24; Guo D et al. Invest Ophthalmol Vis Sci, 2024 Jan;65:20; Ambry internal data). This variant alters a conserved residue in the calcium-binding consensus sequence of a cbEGF domain and is expected to disrupt FBN1 function (Handford PA et al. Nature. 1991; 351(6322):164-7). This amino acid position is highly conserved in available vertebrate species. In addition, this alteration is predicted to be deleterious by in silico analysis. This variant is considered to be rare based on population cohorts in the Genome Aggregation Database (gnomAD). Based on the majority of available evidence to date, this variant is likely to be pathogenic.

North West Genomic Laboratory Hub, Manchester University NHS Foundation Trust
Classification: Likely pathogenic for Thoracic aortic aneurysm or dissection. Last evaluated: 2024-02-28. Review status: criteria provided, single submitter. Criteria: ACGS Best Practice Guidelines for Variant Classification in Rare Disease 2020. Collection method: clinical testing. Allele origin: germline. Affected: yes.
Comment: PM1_Mod PM2_Supp PP2_Supp PP3_Supp PS4_Supp

Center for Genomics, Ann and Robert H. Lurie Children's Hospital of Chicago
Classification: Likely pathogenic for Marfan syndrome. Last evaluated: 2023-01-31. Review status: criteria provided, single submitter. Criteria: ACMG Guidelines, 2015. Collection method: clinical testing. Allele origin: de novo. Observed: 1 variant allele.
Comment: This variant has been reported in the literature in two individuals with features suggestive of or consistent with Marfan syndrome, including one individual with ectopia lentis (Comeglio 2007 PMID: 17657824; Li 2014 PMID: 25053872). This variant is not present in gnomAD but is present in ClinVar (Variation ID: 429319). Of note, this variant is located within the consensus binding sequence in a calcium-binding epidermal growth factor (cbEGF)-like domain and may impair protein folding or stabilization (Jensen 2005 PMID: 15649891). Evolutionary conservation and computational prediction tools support that it may impact the protein. In summary, data on this variant is highly suspicious for disease, but requires further evidence for pathogenicity. Therefore, this variant is classified as likely pathogenic.

Labcorp Genetics (formerly Invitae), Labcorp
Classification: Likely pathogenic for Marfan syndrome; Familial thoracic aortic aneurysm and aortic dissection. Last evaluated: 2022-11-08. Review status: criteria provided, single submitter. Criteria: Invitae Variant Classification Sherloc (09022015). Collection method: clinical testing. Allele origin: germline.
Comment: In summary, the currently available evidence indicates that the variant is pathogenic, but additional data are needed to prove that conclusively. Therefore, this variant has been classified as Likely Pathogenic. This variant disrupts the p.Asp1028 amino acid residue in FBN1. Other variant(s) that disrupt this residue have been determined to be pathogenic (PMID: 11780406; Invitae). This suggests that this residue is clinically significant, and that variants that disrupt this residue are likely to be disease-causing. Algorithms developed to predict the effect of missense changes on protein structure and function are either unavailable or do not agree on the potential impact of this missense change (SIFT: "Deleterious"; PolyPhen-2: "Probably Damaging"; Align-GVGD: "Class C0"). ClinVar contains an entry for this variant (Variation ID: 429319). This missense change has been observed in individuals with clinical features of Marfan syndrome (PMID: 17657824, 25053872; external communication). This variant is not present in population databases (gnomAD no frequency). This sequence change replaces aspartic acid, which is acidic and polar, with glycine, which is neutral and non-polar, at codon 1028 of the FBN1 protein (p.Asp1028Gly).

GeneDx
Classification: Likely pathogenic. Last evaluated: 2015-07-27. Review status: criteria provided, single submitter. Criteria: GeneDx Variant Classification (06012015). Collection method: clinical testing. Allele origin: germline. Affected: yes.
Comment: The D1028G variant has been reported in association with incomplete Marfan syndrome (Comeglio et al., 2007; Li et al., 2014). In the Li et al., study, the D1028G was absent from 160 control chromosomes (Li et al., 2014).The D1028G variant was not observed in approximately 6,500 individuals of European and African American ancestry in the NHLBI Exome Sequencing Project, indicating it is not a common benign variant in these populations. The D1028G variant is a non-conservative amino acid substitution, which is likely to impact secondary protein structure as these residues differ in polarity, charge, size and/or other properties. This substitution occurs at a position that is conserved across species. In silico analysis predicts this variant is probably damaging to the protein structure/function. Missense variants in the same residue (D1028Y, D1028V) and in nearby residues (T1020A, K1023N, C1032Y, L1038F) have been reported in the Human Gene Mutation Database in association with Marfan syndrome (Stenson et al., 2014), supporting the functional importance of this region of the protein. Nevertheless, the D1028G variant does not affect a Cysteine residue within a calcium-binding EGF-like domain of the FBN1. Cysteine substitutions in the calcium-binding EGF-like domains represent the majority of pathogenic missense changes associated with Marfan syndrome (Collod-Beroud et al., 2003).Therefore, this variant is a strong candidate for a pathogenic variant, however the possibility that it is a benign variant cannot be excluded.

Literature cited by the submitters: PubMed 17657824 (cited by Ambry Genetics and Labcorp Genetics (formerly Invitae), Labcorp); PubMed 25053872 (cited by Ambry Genetics and Labcorp Genetics (formerly Invitae), Labcorp); PubMed 38190127 (cited by Ambry Genetics); PubMed 11780406 (cited by Labcorp Genetics (formerly Invitae), Labcorp).